The following is an entry in ClinVar:

ClinVar aggregate classification (germline): Uncertain significance. Review status: criteria provided, multiple submitters, no conflicts (2 of 4 stars). 2 submissions from 2 submitters: Uncertain significance (2). Last evaluated 2022-08-01.

Conditions:
DNA ligase IV deficiency. Identifiers: Orphanet 99812, MedGen C1847827, MONDO:0011686, OMIM 606593.

Allele frequency attached by ClinVar (database versions not stated): TOPMed 0.00003.
gnomAD v4.1: 24 of 1,613,314 alleles (0.0015%); highest among the groups gnomAD compares: Non-Finnish European, 0.0019%; no homozygotes.

Submissions (2):

CeGaT Center for Human Genetics Tuebingen
Classification: Uncertain significance. Last evaluated: 2022-08-01. Review status: criteria provided, single submitter. Criteria: CeGaT Center For Human Genetics Tuebingen Variant Classification Criteria Version 2. Collection method: clinical testing. Allele origin: germline. Affected: yes. Observed: 1 variant allele.
Comment: LIG4: PM2

Labcorp Genetics (formerly Invitae), Labcorp
Classification: Uncertain significance for DNA ligase IV deficiency. Last evaluated: 2022-07-21. Review status: criteria provided, single submitter. Criteria: Invitae Variant Classification Sherloc (09022015). Collection method: clinical testing. Allele origin: germline.
Comment: This sequence change replaces arginine, which is basic and polar, with leucine, which is neutral and non-polar, at codon 32 of the LIG4 protein (p.Arg32Leu). This variant is present in population databases (rs777181224, gnomAD 0.004%). This variant has not been reported in the literature in individuals affected with LIG4-related conditions. ClinVar contains an entry for this variant (Variation ID: 853552). Algorithms developed to predict the effect of missense changes on protein structure and function are either unavailable or do not agree on the potential impact of this missense change (SIFT: "Tolerated"; PolyPhen-2: "Possibly Damaging"; Align-GVGD: "Class C0"). In summary, the available evidence is currently insufficient to determine the role of this variant in disease. Therefore, it has been classified as a Variant of Uncertain Significance.

NM_206937.2(LIG4):c.95G>T (p.Arg32Leu)

Gene: LIG4 (DNA ligase 4; minus strand). Cytogenetic location: 13q33.3.
Variant type: single nucleotide variant.
Coding change: c.95G>T on transcript NM_206937.2 (MANE Select); coding-DNA position 95, G replaced by T.
Protein change: p.Arg32Leu; replaces arginine 32 with leucine.
Molecular consequence: missense variant. On other transcripts: 5 prime UTR variant (1).
Genome position (GRCh38, 1-based): chr13:108,211,174, C>A on the plus strand (G>T on the coding strand, the complement: LIG4 is on the minus strand). VCF-style: chr13-108211174-C-A. GRCh37 (hg19) VCF-style: chr13-108863522-C-A.
Other names: c.95G>T, p.Arg32Leu (NM_001098268.2, NM_001352598.2, NM_001352599.2 and 6 more transcripts); c.-107G>T (NM_001330595.2); c.131G>T, p.Arg44Leu (NM_001352604.2); short protein forms R32L, R44L.
Identifiers: ClinVar variation 853552 (VCV000853552.36), dbSNP rs777181224, ClinGen allele CA7043889.